The following is an entry in ClinVar:

NM_000751.3(CHRND):c.956T>C (p.Leu319Pro)

Gene: CHRND (cholinergic receptor nicotinic delta subunit; plus strand). Cytogenetic location: 2q37.1.
Variant type: single nucleotide variant.
Coding change: c.956T>C on transcript NM_000751.3 (MANE Select); coding-DNA position 956, T replaced by C.
Protein change: p.Leu319Pro; replaces leucine 319 with proline.
Molecular consequence: missense variant.
Genome position (GRCh38, 1-based): chr2:232,531,565, T>C. VCF-style: chr2-232531565-T-C. GRCh37 (hg19) VCF-style: chr2-233396275-T-C.
Other names: c.653T>C, p.Leu218Pro (NM_001311196.2); c.911T>C, p.Leu304Pro (NM_001256657.2); c.374T>C, p.Leu125Pro (NM_001311195.2); short protein forms L319P, L218P, L304P, L125P.
Identifiers: ClinVar variation 534524 (VCV000534524.8), dbSNP rs1553575093, ClinGen allele CA351003150.

ClinVar aggregate classification (germline): Uncertain significance (1 of 4 stars; one submission).

Conditions:
Lethal multiple pterygium syndrome (LMPS). Identifiers: Orphanet 33108, MedGen C1854678, MONDO:0009668, OMIM 253290.

Submission:

Labcorp Genetics (formerly Invitae), Labcorp
Classification: Uncertain significance for Lethal multiple pterygium syndrome. Last evaluated: 2018-06-12. Review status: criteria provided, single submitter. Criteria: Invitae Variant Classification Sherloc (09022015). Collection method: clinical testing. Allele origin: germline.
Comment: In summary, the available evidence is currently insufficient to determine the role of this variant in disease. Therefore, it has been classified as a Variant of Uncertain Significance. Algorithms developed to predict the effect of missense changes on protein structure and function do not agree on the potential impact of this missense change (SIFT: "Deleterious"; PolyPhen-2: "Probably Damaging"; Align-GVGD: "Class C0"). This variant has not been reported in the literature in individuals with CHRND-related disease. This variant is not present in population databases (ExAC no frequency). This sequence change replaces leucine with proline at codon 319 of the CHRND protein (p.Leu319Pro). The leucine residue is highly conserved and there is a moderate physicochemical difference between leucine and proline.